The following is an entry in ClinVar:

ClinVar aggregate classification (germline): Pathogenic (1 of 4 stars; one submission).

Submission:

Labcorp Genetics (formerly Invitae), Labcorp
Classification: Pathogenic. Last evaluated: 2021-08-04. Review status: criteria provided, single submitter. Criteria: Invitae Variant Classification Sherloc (09022015). Collection method: clinical testing. Allele origin: germline.
Comment: This variant is a gross deletion of the genomic region encompassing exon(s) 22-24 of the COL4A5 gene. This deletion is out-of-frame, and is expected to create a premature translational stop signal and result in an absent or disrupted protein product. Loss-of-function variants in COL4A5 are known to be pathogenic (PMID: 9195222, 10752524, 14514738, 24854265, 26809805). A similar copy number variant has been observed in individual(s) with X-linked Alport's syndrome (PMID: 23290210). For these reasons, this variant has been classified as Pathogenic.

Literature cited by the submitters: PubMed 9195222; PubMed 10752524; PubMed 14514738; PubMed 24854265; PubMed 26809805; PubMed 23290210.

NC_000023.10:g.(?_107838739)_(107840798_?)del

Gene: COL4A5 (collagen type IV alpha 5 chain; plus strand). Cytogenetic location: Xq22.3.
Variant type: Deletion.
Identifiers: ClinVar variation 1076344 (VCV001076344.6).